The following is an entry in ClinVar:

ClinVar aggregate classification (germline): Uncertain significance (1 of 4 stars; one submission).

Conditions:
Hereditary cancer-predisposing syndrome. Also called: Neoplastic Syndromes, Hereditary; Tumor predisposition; Hereditary Cancer Syndrome; Hereditary neoplastic syndrome. Identifiers: Orphanet 140162, MedGen C0027672, MeSH D009386, MONDO:0015356.

Submission:

Ambry Genetics
Classification: Uncertain significance for Hereditary cancer-predisposing syndrome. Last evaluated: 2025-11-23. Review status: criteria provided, single submitter. Criteria: Ambry Variant Classification Scheme 2023. Collection method: clinical testing. Allele origin: germline.
Comment: The p.I79T variant (also known as c.236T>C), located in coding exon 2 of the CTNNA1 gene, results from a T to C substitution at nucleotide position 236. The isoleucine at codon 79 is replaced by threonine, an amino acid with similar properties. This amino acid position is conserved. In addition, the in silico prediction for this alteration is inconclusive. Based on the available evidence, the clinical significance of this variant remains unclear.

NM_001903.5(CTNNA1):c.236T>C (p.Ile79Thr)

Gene: CTNNA1 (catenin alpha 1; plus strand). Cytogenetic location: 5q31.2.
Variant type: single nucleotide variant.
Coding change: c.236T>C on transcript NM_001903.5 (MANE Select); coding-DNA position 236, T replaced by C.
Protein change: p.Ile79Thr; replaces isoleucine 79 with threonine.
Molecular consequence: missense variant. On other transcripts: intron variant (2).
Genome position (GRCh38, 1-based): chr5:138,783,307, T>C. VCF-style: chr5-138783307-T-C. GRCh37 (hg19) VCF-style: chr5-138118996-T-C.
Other names: c.236T>C, p.Ile79Thr (NM_001290307.3, NM_001323982.2, NM_001323983.1 and 3 more transcripts); c.-6+35T>C (NM_001290310.3); c.-9+1278T>C (NM_001290309.3); short protein forms I79T.
Identifiers: ClinVar variation 4635574 (VCV004635574.1).
Genomic context (GRCh38, chr5:138,783,307, plus strand): 5'-ATGTTTTGGCTGCATCTGTTGAACAAGCAACTGAGAATTTCTTGGAGAAGGGGGATAAAA[T>C]TGCGAAGGAGAGCCAGTTTCTCAAGGAGGAGCTTGTGGCTGCTGTAGAAGATGTTCGAAA-3'
Protein context (NP_001894.2, residues 69-89): TENFLEKGDK[Ile79Thr]AKESQFLKEE